The following is an entry in ClinVar:

ClinVar aggregate classification (germline): Uncertain significance (1 of 4 stars; one submission).

Conditions:
Inborn genetic diseases. Identifiers: MedGen C0950123, MeSH D030342.

gnomAD v4.1: 2 of 1,611,232 alleles (0.00012%); highest among the groups gnomAD compares: Non-Finnish European, 0.00017%; no homozygotes.

Submission:

Ambry Genetics
Classification: Uncertain significance for Inborn genetic diseases. Last evaluated: 2025-03-12. Review status: criteria provided, single submitter. Criteria: Ambry Variant Classification Scheme 2023. Collection method: clinical testing. Allele origin: germline.
Comment: The p.L1263S variant (also known as c.3788T>C), located in coding exon 25 of the ANKRD26 gene, results from a T to C substitution at nucleotide position 3788. The leucine at codon 1263 is replaced by serine, an amino acid with dissimilar properties. This amino acid position is conserved. In addition, the in silico prediction for this alteration is inconclusive. Based on the available evidence, the clinical significance of this variant remains unclear.

NM_014915.3(ANKRD26):c.3788T>C (p.Leu1263Ser)

Gene: ANKRD26 (ankyrin repeat domain containing 26; minus strand). Cytogenetic location: 10p12.1.
Variant type: single nucleotide variant.
Coding change: c.3788T>C on transcript NM_014915.3 (MANE Select); coding-DNA position 3788, T replaced by C.
Protein change: p.Leu1263Ser; replaces leucine 1263 with serine.
Molecular consequence: missense variant.
Genome position (GRCh38, 1-based): chr10:27,033,244, A>G on the plus strand (T>C on the coding strand, the complement: ANKRD26 is on the minus strand). VCF-style: chr10-27033244-A-G. GRCh37 (hg19) VCF-style: chr10-27322173-A-G.
Other names: c.3785T>C, p.Leu1262Ser (NM_001256053.2); short protein forms L1263S, L1262S.
Identifiers: ClinVar variation 3868805 (VCV003868805.1).